The following is an entry in ClinVar:

NM_001044.5(SLC6A3):c.114C>G (p.Asn38Lys)

Gene: SLC6A3 (solute carrier family 6 member 3). Cytogenetic location: 5p15.33.
Variant type: single nucleotide variant.
Coding change: c.114C>G on transcript NM_001044.5 (MANE Select); coding-DNA position 114, C replaced by G.
Protein change: p.Asn38Lys; replaces asparagine 38 with lysine.
Molecular consequence: missense variant.
Genome position (GRCh38, 1-based): chr5:1,443,084, G>C on the plus strand (C>G on the coding strand, the complement: SLC6A3 is on the minus strand). VCF-style: chr5-1443084-G-C. GRCh37 (hg19) VCF-style: chr5-1443199-G-C.
Other names: short protein forms N38K.
Identifiers: ClinVar variation 470631 (VCV000470631.7), dbSNP rs6350, ClinGen allele CA3186480.

ClinVar aggregate classification (germline): Uncertain significance (1 of 4 stars; one submission).

Conditions:
Parkinsonism-dystonia, infantile. Identifiers: Orphanet 238455, MedGen C2751067, MONDO:0013150.

Allele frequency attached by ClinVar (database versions not stated): TOPMed 0.00002; 1000 Genomes Project 30x 0.00016.
gnomAD v4.1: 54 of 1,614,174 alleles (0.0033%); highest among the groups gnomAD compares: Admixed American, 0.025%; no homozygotes.

Submission:

Labcorp Genetics (formerly Invitae), Labcorp
Classification: Uncertain significance for Parkinsonism-dystonia, infantile. Last evaluated: 2022-03-13. Review status: criteria provided, single submitter. Criteria: Invitae Variant Classification Sherloc (09022015). Collection method: clinical testing. Allele origin: germline.
Comment: This sequence change replaces asparagine, which is neutral and polar, with lysine, which is basic and polar, at codon 38 of the SLC6A3 protein (p.Asn38Lys). This variant is present in population databases (rs6350, gnomAD 0.03%). This variant has not been reported in the literature in individuals affected with SLC6A3-related conditions. ClinVar contains an entry for this variant (Variation ID: 470631). Algorithms developed to predict the effect of missense changes on protein structure and function are either unavailable or do not agree on the potential impact of this missense change (SIFT: "Deleterious"; PolyPhen-2: "Probably Damaging"; Align-GVGD: "Class C15"). In summary, the available evidence is currently insufficient to determine the role of this variant in disease. Therefore, it has been classified as a Variant of Uncertain Significance.